The following is an entry in ClinVar:

ClinVar aggregate classification (germline): Likely benign. Review status: criteria provided, multiple submitters, no conflicts (2 of 4 stars). 3 submissions from 3 submitters: Likely benign (3). Last evaluated 2025-11-17.

Conditions:
Wilms tumor 1 (WT1). Also called: Wilms tumor, somatic. Identifiers: Orphanet 654, MedGen CN033288, MONDO:0008679, OMIM 194070.
11p partial monosomy syndrome (WAGR). Also called: WAGR syndrome; WAGR Spectrum Disorder; CHROMOSOME 11p13 DELETION SYNDROME; WAGR Complex. Identifiers: Orphanet 893, MedGen C0206115, MONDO:0008681, OMIM 194072.
Drash syndrome (DDS). Also called: NEPHROPATHY, WILMS TUMOR, AND GENITAL ANOMALIES; WILMS TUMOR AND PSEUDO- OR TRUE HERMAPHRODITISM. Identifiers: Orphanet 220, MedGen C0950121, MONDO:0008682, OMIM 194080.
Frasier syndrome. Identifiers: Orphanet 347, MedGen C0950122, MeSH D052159, MONDO:0007635, OMIM 136680.
Inborn genetic diseases. Identifiers: MedGen C0950123, MeSH D030342.

Allele frequency attached by ClinVar (database versions not stated): gnomAD exomes 0.00001 and 0.00004; gnomAD 0.00006 and 0.00007; TOPMed 0.00007; 1000 Genomes Project 30x 0.00016; 1000 Genomes Project 0.00020.
gnomAD v4.1: 20 of 1,536,386 alleles (0.0013%); highest among the groups gnomAD compares: African/African-American, 0.027%; no homozygotes.

Submissions (3):

Labcorp Genetics (formerly Invitae), Labcorp
Classification: Likely benign for Wilms tumor 1; Drash syndrome; 11p partial monosomy syndrome; Frasier syndrome. Last evaluated: 2025-11-17. Review status: criteria provided, single submitter. Criteria: Invitae Variant Classification Sherloc (09022015). Collection method: clinical testing. Allele origin: germline.

Ambry Genetics
Classification: Likely benign for Inborn genetic diseases. Last evaluated: 2024-08-21. Review status: criteria provided, single submitter. Criteria: Ambry Variant Classification Scheme 2023. Collection method: clinical testing. Allele origin: germline.

All of Us Research Program, National Institutes of Health
Classification: Likely benign for Wilms tumor 1. Last evaluated: 2024-01-11. Review status: criteria provided, single submitter. Criteria: ACMG Guidelines, 2015. Collection method: clinical testing. Allele origin: germline. Inheritance: Autosomal dominant inheritance. Observed: 4 variant alleles, 4 heterozygotes.
Comment: This study involves interpretation of variants in research participants for the purpose of population health screening. Participant phenotype was not available at the time of variant classification. Additional details can be found in publication PMID: 35346344, PMCID: PMC8962531

NM_024426.6(WT1):c.117G>A (p.Arg39=)

Genes: WT1 (WT1 transcription factor; minus strand), LOC107982234 (WT1/WT1-AS bi-directional promoter region; plus strand). Cytogenetic location: 11p13.
Variant type: single nucleotide variant.
Coding change: c.117G>A on transcript NM_024426.6 (MANE Select); coding-DNA position 117, G replaced by A.
Protein change: p.Arg39=; no amino-acid change (arginine 39 retained).
Molecular consequence: synonymous variant. On other transcripts: non-coding transcript variant (1).
Genome position (GRCh38, 1-based): chr11:32,435,244, C>T on the plus strand (G>A on the coding strand, the complement: WT1 is on the minus strand). VCF-style: chr11-32435244-C-T. GRCh37 (hg19) VCF-style: chr11-32456790-C-T.
Other names: c.102G>A (NM_024426.4); c.117G>A, p.Arg39= (NM_000378.6, NM_024424.5).
Identifiers: ClinVar variation 1151921 (VCV001151921.11), dbSNP rs537150542, ClinGen allele CA219511451.